The following is an entry in ClinVar:

ClinVar aggregate classification (germline): Uncertain significance (1 of 4 stars; one submission).

Submission:

Labcorp Genetics (formerly Invitae), Labcorp
Classification: Uncertain significance. Last evaluated: 2024-11-15. Review status: criteria provided, single submitter. Criteria: Invitae Variant Classification Sherloc (09022015). Collection method: clinical testing. Allele origin: germline.
Comment: This sequence change replaces serine, which is neutral and polar, with asparagine, which is neutral and polar, at codon 635 of the CAMK2B protein (p.Ser635Asn). This variant is not present in population databases (gnomAD no frequency). This variant has not been reported in the literature in individuals affected with CAMK2B-related conditions. An algorithm developed to predict the effect of missense changes on protein structure and function (PolyPhen-2) suggests that this variant is likely to be tolerated. In summary, the available evidence is currently insufficient to determine the role of this variant in disease. Therefore, it has been classified as a Variant of Uncertain Significance.

NM_001220.5(CAMK2B):c.1904G>A (p.Ser635Asn)

Gene: CAMK2B (calcium/calmodulin dependent protein kinase II beta; minus strand). Cytogenetic location: 7p13.
Variant type: single nucleotide variant.
Coding change: c.1904G>A on transcript NM_001220.5 (MANE Select); coding-DNA position 1904, G replaced by A.
Protein change: p.Ser635Asn; replaces serine 635 with asparagine.
Molecular consequence: missense variant.
Genome position (GRCh38, 1-based): chr7:44,220,159, C>T on the plus strand (G>A on the coding strand, the complement: CAMK2B is on the minus strand). VCF-style: chr7-44220159-C-T. GRCh37 (hg19) VCF-style: chr7-44259758-C-T.
Other names: c.1532G>A, p.Ser511Asn (NM_001293170.2, NM_172078.3); c.1460G>A, p.Ser487Asn (NM_172079.3); c.1457G>A, p.Ser486Asn (NM_172080.3); c.1415G>A, p.Ser472Asn (NM_172081.3); c.1382G>A, p.Ser461Asn (NM_172082.3); c.1343G>A, p.Ser448Asn (NM_172083.3); c.1253G>A, p.Ser418Asn (NM_172084.3); short protein forms S418N, S487N, S461N, S486N, S511N, S448N, S472N, S635N.
Identifiers: ClinVar variation 3710321 (VCV003710321.2).